The following is an entry in ClinVar:

NM_015378.4(VPS13D):c.7736_7737del (p.Ser2579fs)

Gene: VPS13D (vacuolar protein sorting 13 homolog D; plus strand). Cytogenetic location: 1p36.22.
Variant type: Deletion.
Coding change: c.7736_7737del on transcript NM_015378.4 (MANE Select); coding-DNA positions 7736 to 7737, 2 bases deleted (CC; older notation c.7736_7737delCC).
Protein change: p.Ser2579fs; shifts the reading frame from serine 2579.
Molecular consequence: frameshift variant.
Genome position (GRCh38, 1-based): chr1:12,322,567-12,322,568, CC deleted. VCF-style (leftmost placement, unchanged base first): chr1-12322566-TCC-T. GRCh37 (hg19) VCF-style: chr1-12382623-TCC-T.
Other names: c.7736_7737del, p.Ser2579fs (NM_018156.4); short protein forms S2579fs.
Identifiers: ClinVar variation 3057650 (VCV003057650.2), dbSNP rs1557708642, ClinGen allele CA916110108.
Genomic context (GRCh38, chr1:12,322,566, plus strand): 5'-AAAATTGCTACCTTTTTTACATTTTGTTAGATTCAGTTACAAGCCCTGGATATCAGACTC[TCC>T]TATAATGATGTTCAGCTGTTTCTTGCCATTGCAAAATCCATCCCAGAGCAAGCTAATGCT-3'

ClinVar aggregate classification (germline): Likely pathogenic (0 of 4 stars; one submission).

Conditions:
VPS13D-related disorder. Also called: VPS13D-related condition.

Allele frequency attached by ClinVar (database versions not stated): TOPMed below 0.00001.

Submission:

PreventionGenetics, part of Exact Sciences
Classification: Likely pathogenic for VPS13D-related condition. Last evaluated: 2024-01-19. Review status: no assertion criteria provided. Collection method: clinical testing. Allele origin: germline.
Comment: The VPS13D c.7736_7737delCC variant is predicted to result in a frameshift and premature protein termination (p.Ser2579Leufs*2). To our knowledge, this variant has not been reported in the literature. This variant has not been reported in a sub-population in gnomAD, suggesting this variant is rare. Frameshift variants in VPS13D are expected to be pathogenic. This variant is interpreted as likely pathogenic.